The following is an entry in ClinVar:

NM_002206.3(ITGA7):c.1410-3C>G

Gene: ITGA7 (integrin subunit alpha 7; minus strand). Cytogenetic location: 12q13.2.
Variant type: single nucleotide variant.
Coding change: c.1410-3C>G on transcript NM_002206.3 (MANE Select); 3 bases into the intron before coding-DNA position 1410, C replaced by G.
Molecular consequence: intron variant.
Genome position (GRCh38, 1-based): chr12:55,697,549, G>C on the plus strand (C>G on the coding strand, the complement: ITGA7 is on the minus strand). VCF-style: chr12-55697549-G-C. GRCh37 (hg19) VCF-style: chr12-56091333-G-C.
Other names: NC_000012.11:g.56091333G>C; c.1131-3C>G (NM_001144997.2); c.1083-3C>G (NM_001367993.1); c.1071-3C>G (NM_001414035.1); c.1227-3C>G (NM_001414033.1); c.66-3C>G (NM_001367994.1); c.1290-3C>G (NM_001414032.1); c.1323-3C>G (NM_001414031.1); and 4 more.
Identifiers: ClinVar variation 2628803 (VCV002628803.4), dbSNP rs2539787002, ClinGen allele CA2695199091.

ClinVar aggregate classification (germline): Uncertain significance (0 of 4 stars; one submission).

Conditions:
ITGA7-related disorder. Also called: ITGA7-related condition.

Submissions (2):

PreventionGenetics, part of Exact Sciences
Classification: Uncertain significance for ITGA7-related condition. Last evaluated: 2024-01-09. Review status: no assertion criteria provided. Collection method: clinical testing. Allele origin: germline.
Comment: The ITGA7 c.1410-3C>G variant is predicted to interfere with splicing. To our knowledge, this variant has not been reported in the literature or in a large population database, indicating this variant is rare. At this time, the clinical significance of this variant is uncertain due to the absence of conclusive functional and genetic evidence.

Dr. Peter K. Rogan Lab, Western University
No classification provided (evidence only). Condition: Sarcoma. Review status: no classification provided. Collection method: in vitro. Allele origin: not applicable. Functional consequence: retained intron. Not counted in ClinVar's aggregate classification.